The following is an entry in ClinVar:

ClinVar aggregate classification (germline): Uncertain significance. Review status: criteria provided, multiple submitters, no conflicts (2 of 4 stars). 5 submissions from 5 submitters: Uncertain significance (5). Last evaluated 2025-11-19.

Conditions:
RYR1-related disorder. Also called: RYR1-related disorders; RYR1-related condition. Identifiers: MedGen CN239331.
Malignant hyperthermia, susceptibility to, 1 (MHS1). Also called: RYR1-Related Malignant Hyperthermia Susceptibility; Malignant hyperthermia suceptibility 1; Anesthesia related hyperthermia; Malignant hyperpyrexia; Fulminating hyperpyrexia; Pharmacogenic myopathy. Identifiers: Orphanet 423, MedGen C2930980, MONDO:0007783, OMIM 145600.
Congenital myopathy with fiber type disproportion. Also called: Congenital fiber-type disproportion myopathy; Congenital fiber-type disproportion. Identifiers: Orphanet 2020, MedGen C0546264, MONDO:0009711. Inheritance: all.
Central core myopathy (CMYO1A). Also called: CONGENITAL MYOPATHY 1A, AUTOSOMAL DOMINANT, WITH SUSCEPTIBILITY TO MALIGNANT HYPERTHERMIA; Central core disease; Myopathy, central fibrillar. Identifiers: Orphanet 597, MedGen C5830701, MONDO:0007294, OMIM 117000.
Congenital multicore myopathy with external ophthalmoplegia (CMYO1B). Also called: MULTICORE MYOPATHY; Minicore myopathy with external ophthalmoplegia; MULTIMINICORE DISEASE WITH EXTERNAL OPHTHALMOPLEGIA; Congenital myopathy 1B, autosomal recessive; Minicore myopathy. Identifiers: Orphanet 598, Orphanet 98905, MedGen C1850674, MONDO:0009712, OMIM 255320, HP:0003789.
King Denborough syndrome (KDS). Identifiers: MedGen C1840365, MONDO:0020485, OMIM 619542.

Allele frequency attached by ClinVar (database versions not stated): ExAC 0.00004; gnomAD exomes 0.00004.
gnomAD v4.1: 8 of 1,613,698 alleles (0.0005%); highest among the groups gnomAD compares: South Asian, 0.0055%; no homozygotes.

Submissions (5):

Labcorp Genetics (formerly Invitae), Labcorp
Classification: Uncertain significance for RYR1-related disorder. Last evaluated: 2025-11-19. Review status: criteria provided, single submitter. Criteria: Invitae Variant Classification Sherloc (09022015). Collection method: clinical testing. Allele origin: germline.
Comment: This sequence change replaces threonine, which is neutral and polar, with alanine, which is neutral and non-polar, at codon 692 of the RYR1 protein (p.Thr692Ala). This variant is present in population databases (rs763679528, gnomAD 0.02%). This variant has not been reported in the literature in individuals affected with RYR1-related conditions. ClinVar contains an entry for this variant (Variation ID: 1391067). Invitae Evidence Modeling of protein sequence and biophysical properties (such as structural, functional, and spatial information, amino acid conservation, physicochemical variation, residue mobility, and thermodynamic stability) indicates that this missense variant is not expected to disrupt RYR1 protein function with a negative predictive value of 80%. In summary, the available evidence is currently insufficient to determine the role of this variant in disease. Therefore, it has been classified as a Variant of Uncertain Significance.

Color Diagnostics, LLC DBA Color Health
Classification: Uncertain significance for Malignant hyperthermia, susceptibility to, 1. Last evaluated: 2024-05-07. Review status: criteria provided, single submitter. Criteria: ACMG Guidelines, 2015. Collection method: clinical testing. Allele origin: germline.
Comment: This missense variant replaces threonine with alanine at codon 692 of the RYR1 protein. Computational prediction suggests that this variant may not impact protein structure and function. To our knowledge, functional studies have not been reported for this variant. This variant has not been reported in individuals affected with RYR1-related disorders in the literature. This variant has been identified in 9/250028 chromosomes in the general population by the Genome Aggregation Database (gnomAD). The available evidence is insufficient to determine the role of this variant in disease conclusively. Therefore, this variant is classified as a Variant of Uncertain Significance.

All of Us Research Program, National Institutes of Health
Classification: Uncertain significance for Malignant hyperthermia, susceptibility to, 1. Last evaluated: 2024-01-11. Review status: criteria provided, single submitter. Criteria: ACMG Guidelines, 2015. Collection method: clinical testing. Allele origin: germline. Inheritance: Autosomal dominant inheritance. Observed: 1 variant allele, 1 heterozygote.
Comment: This study involves interpretation of variants in research participants for the purpose of population health screening. Participant phenotype was not available at the time of variant classification. Additional details can be found in publication PMID: 35346344, PMCID: PMC8962531

Revvity Omics, Revvity
Classification: Uncertain significance. Last evaluated: 2022-04-21. Review status: criteria provided, single submitter. Criteria: ACMG Guidelines, 2015. Collection method: clinical testing. Allele origin: germline.

Fulgent Genetics
Classification: Uncertain significance for Central core myopathy; Malignant hyperthermia, susceptibility to, 1; Congenital myopathy 4A, autosomal dominant; Congenital multicore myopathy with external ophthalmoplegia; King Denborough syndrome. Last evaluated: 2021-10-21. Review status: criteria provided, single submitter. Criteria: ACMG Guidelines, 2015. Collection method: clinical testing. Allele origin: unknown.

NM_000540.3(RYR1):c.2074A>G (p.Thr692Ala)

Gene: RYR1 (ryanodine receptor 1; plus strand). Cytogenetic location: 19q13.2.
Variant type: single nucleotide variant.
Coding change: c.2074A>G on transcript NM_000540.3 (MANE Select); coding-DNA position 2074, A replaced by G.
Protein change: p.Thr692Ala; replaces threonine 692 with alanine.
Molecular consequence: missense variant.
Genome position (GRCh38, 1-based): chr19:38,458,199, A>G. VCF-style: chr19-38458199-A-G. GRCh37 (hg19) VCF-style: chr19-38948839-A-G.
Other names: c.2074A>G, p.Thr692Ala (NM_001042723.2); short protein forms T692A.
Identifiers: ClinVar variation 1391067 (VCV001391067.9), dbSNP rs763679528, ClinGen allele CA062797.